The following is an entry in ClinVar:

ClinVar aggregate classification (germline): Conflicting classifications of pathogenicity. Review status: criteria provided, conflicting classifications (1 of 4 stars). 5 submissions from 3 submitters: Uncertain significance (3); Benign (1). 1 of the submissions does not count toward it. Last evaluated 2019-05-28.

Conditions:
WT1-related disorder. Also called: WT1-related disorders. Identifiers: MedGen CN377814.
Meacham syndrome. Also called: Meacham Winn Culler syndrome. Identifiers: Orphanet 3097, MedGen C1837026, MONDO:0012164, OMIM 608978.
Drash syndrome (DDS). Also called: NEPHROPATHY, WILMS TUMOR, AND GENITAL ANOMALIES; WILMS TUMOR AND PSEUDO- OR TRUE HERMAPHRODITISM. Identifiers: Orphanet 220, MedGen C0950121, MONDO:0008682, OMIM 194080.
Wilms tumor 1 (WT1). Also called: Wilms tumor, somatic. Identifiers: Orphanet 654, MedGen CN033288, MONDO:0008679, OMIM 194070.
Nephrotic syndrome, type 4 (NPHS4). Also called: Familial mesangial sclerosis; Nephrotic syndrome, early onset with diffuse mesangial sclerosis. Identifiers: Orphanet 656, MedGen C3151568, MONDO:0009733, OMIM 256370.

Allele frequency attached by ClinVar (database versions not stated): gnomAD exomes 0.00004; 1000 Genomes Project 30x 0.00016; gnomAD 0.00021 and 0.00022; TOPMed 0.00025.
gnomAD v4.1: 90 of 1,429,490 alleles (0.0063%); highest among the groups gnomAD compares: Middle Eastern, 0.13%; 1 homozygote.

Submissions (5):

Mendelics
Classification: Benign for Drash syndrome. Last evaluated: 2019-05-28. Review status: criteria provided, single submitter. Criteria: Mendelics Assertion Criteria 2017. Collection method: clinical testing. Allele origin: unknown.

Illumina Laboratory Services, Illumina
Classification: Uncertain significance for Wilms tumor 1. Last evaluated: 2018-01-13. Review status: criteria provided, single submitter. Criteria: ICSL Variant Classification Criteria 13 December 2019. Collection method: clinical testing. Allele origin: germline.

Illumina Laboratory Services, Illumina
Classification: Uncertain significance for Nephrotic syndrome, type 4. Last evaluated: 2018-01-13. Review status: criteria provided, single submitter. Criteria: ICSL Variant Classification Criteria 13 December 2019. Collection method: clinical testing. Allele origin: germline.

Illumina Laboratory Services, Illumina
Classification: Uncertain significance for Meacham syndrome. Last evaluated: 2018-01-13. Review status: criteria provided, single submitter. Criteria: ICSL Variant Classification Criteria 13 December 2019. Collection method: clinical testing. Allele origin: germline.

PreventionGenetics, part of Exact Sciences
Classification: Likely benign for WT1-related condition. Last evaluated: 2022-12-14. Review status: no assertion criteria provided. Collection method: clinical testing. Allele origin: germline. Not counted in ClinVar's aggregate classification.
Comment: This variant is classified as likely benign based on ACMG/AMP sequence variant interpretation guidelines (Richards et al. 2015 PMID: 25741868, with internal and published modifications).

NM_024426.6(WT1):c.-106C>T

Genes: WT1 (WT1 transcription factor; minus strand), LOC107982234 (WT1/WT1-AS bi-directional promoter region; plus strand). Cytogenetic location: 11p13.
Variant type: single nucleotide variant.
Coding change: c.-106C>T on transcript NM_024426.6 (MANE Select); 106 bases upstream of the start codon, C replaced by T.
Molecular consequence: 5 prime UTR variant. On other transcripts: non-coding transcript variant (1).
Genome position (GRCh38, 1-based): chr11:32,435,466, G>A on the plus strand (C>T on the coding strand, the complement: WT1 is on the minus strand). VCF-style: chr11-32435466-G-A. GRCh37 (hg19) VCF-style: chr11-32457012-G-A.
Other names: c.-106C>T (NM_000378.6, NM_024424.5).
Identifiers: ClinVar variation 304438 (VCV000304438.8), dbSNP rs867975105, ClinGen allele CA10638330.
Genomic context (GRCh38, chr11:32,435,466, plus strand): 5'-CCCGGCTCTGGGTGGGTGGGTGGGTGAATGAGTAGGTGGGAGGGAGGGCGGGAAGTGGGG[G>A]AGCGGACAGGCGGTCGGGTTGCGGAGAGCCCCCGGGTGTGGGCGCTGCCTTGAACTCCTT-3'